The following is an entry in ClinVar:

NM_001353108.3(CEP63):c.1508T>C (p.Ile503Thr)

Gene: CEP63 (centrosomal protein 63; plus strand). Cytogenetic location: 3q22.2.
Variant type: single nucleotide variant.
Coding change: c.1508T>C on transcript NM_001353108.3 (MANE Select); coding-DNA position 1508, T replaced by C.
Protein change: p.Ile503Thr; replaces isoleucine 503 with threonine.
Molecular consequence: missense variant. On other transcripts: intron variant (17).
Genome position (GRCh38, 1-based): chr3:134,558,182, T>C. VCF-style: chr3-134558182-T-C. GRCh37 (hg19) VCF-style: chr3-134277024-T-C.
Other names: c.1508T>C (NM_025180.3); c.1370T>C, p.Ile457Thr (NM_001353109.1); c.1508T>C, p.Ile503Thr (NM_025180.5); c.1467+6170T>C (NM_001353113.1, NM_001353117.2); c.1329+6170T>C (NM_001042384.2, NM_001353124.2, NM_001353123.2); c.1330-3195T>C (NM_001353122.1, NM_001042383.2, NM_001353121.2 and 2 more transcripts); c.1468-3195T>C (NM_001353110.1, NM_001353112.2, NM_001353111.2 and 1 more transcripts); c.1357-3195T>C (NM_001353118.1); and 2 more; short protein forms I457T, I503T.
Identifiers: ClinVar variation 2066985 (VCV002066985.4), dbSNP rs149664869, ClinGen allele CA2628704.
Genomic context (GRCh38, chr3:134,558,182, plus strand): 5'-CTAGTATTCTTTTTTATTAGGCAAAAGAGATTTCACTAGCAGACCTCCAGGAGAATTATA[T>C]TGAGGCATTAAATAAATTAGTGTCTGAAAATCAACAACTACAGAAAGATTTGATGAATAC-3'
Protein context (NP_001340037.1, residues 493-513): ISLADLQENY[Ile503Thr]EALNKLVSEN

ClinVar aggregate classification (germline): Uncertain significance. Review status: criteria provided, multiple submitters, no conflicts (2 of 4 stars). 2 submissions from 2 submitters: Uncertain significance (2). Last evaluated 2025-08-31.

Conditions:
Inborn genetic diseases. Identifiers: MedGen C0950123, MeSH D030342.

Allele frequency attached by ClinVar (database versions not stated): gnomAD exomes 0.00013; 1000 Genomes Project 30x 0.00016; 1000 Genomes Project 0.00020; TOPMed 0.00020; ESP Exome Variant Server 0.00008; ExAC 0.00011; gnomAD 0.00013.
gnomAD v4.1: 206 of 1,613,808 alleles (0.013%); highest among the groups gnomAD compares: African/African-American, 0.032%; no homozygotes.

Submissions (2):

Ambry Genetics
Classification: Uncertain significance for Inborn genetic diseases. Last evaluated: 2025-08-31. Review status: criteria provided, single submitter. Criteria: Ambry Variant Classification Scheme 2023. Collection method: clinical testing. Allele origin: germline.

Labcorp Genetics (formerly Invitae), Labcorp
Classification: Uncertain significance. Last evaluated: 2022-09-01. Review status: criteria provided, single submitter. Criteria: Invitae Variant Classification Sherloc (09022015). Collection method: clinical testing. Allele origin: germline.
Comment: This sequence change replaces isoleucine, which is neutral and non-polar, with threonine, which is neutral and polar, at codon 503 of the CEP63 protein (p.Ile503Thr). This variant is present in population databases (rs149664869, gnomAD 0.05%). This variant has not been reported in the literature in individuals affected with CEP63-related conditions. Algorithms developed to predict the effect of missense changes on protein structure and function output the following: SIFT: "Deleterious"; PolyPhen-2: "Benign"; Align-GVGD: "Class C0". The threonine amino acid residue is found in multiple mammalian species, which suggests that this missense change does not adversely affect protein function. In summary, the available evidence is currently insufficient to determine the role of this variant in disease. Therefore, it has been classified as a Variant of Uncertain Significance.